The following is an entry in ClinVar:

NM_003242.6(TGFBR2):c.686C>T (p.Ser229Phe)

Gene: TGFBR2 (transforming growth factor beta receptor 2; plus strand). Cytogenetic location: 3p24.1.
Variant type: single nucleotide variant.
Coding change: c.686C>T on transcript NM_003242.6 (MANE Select); coding-DNA position 686, C replaced by T.
Protein change: p.Ser229Phe; replaces serine 229 with phenylalanine.
Molecular consequence: missense variant. On other transcripts: intron variant (1).
Genome position (GRCh38, 1-based): chr3:30,671,869, C>T. VCF-style: chr3-30671869-C-T. GRCh37 (hg19) VCF-style: chr3-30713361-C-T.
Other names: c.761C>T, p.Ser254Phe (NM_001024847.3); c.869C>T, p.Ser290Phe (NM_001407126.1); c.794C>T, p.Ser265Phe (NM_001407127.1); c.713C>T, p.Ser238Phe (NM_001407128.1); c.689C>T, p.Ser230Phe (NM_001407129.1); c.686C>T, p.Ser229Phe (NM_001407130.1); c.581C>T, p.Ser194Phe (NM_001407132.1, NM_001407133.1, NM_001407134.1 and 2 more transcripts); c.401C>T, p.Ser134Phe (NM_001407137.1); and 2 more; short protein forms S229F, S265F, S109F, S230F, S134F, S194F, S238F, S254F.
Identifiers: ClinVar variation 2774575 (VCV002774575.2), dbSNP rs2470560511, ClinGen allele CA351807649.

ClinVar aggregate classification (germline): Uncertain significance (1 of 4 stars; one submission).

Conditions:
Familial thoracic aortic aneurysm and aortic dissection (TAAD). Also called: Thoracic aortic aneurysms and dissections. Identifiers: Orphanet 91387, MedGen C4707243, MONDO:0019625.

Submission:

Color Diagnostics, LLC DBA Color Health
Classification: Uncertain significance for Familial thoracic aortic aneurysm and aortic dissection. Last evaluated: 2024-03-06. Review status: criteria provided, single submitter. Criteria: ACMG Guidelines, 2015. Collection method: clinical testing. Allele origin: germline.
Comment: This missense variant replaces serine with phenylalanine at codon 229 of the TGFBR2 protein. Computational prediction suggests that this variant may have deleterious impact on protein structure and function (internally defined REVEL score threshold >= 0.7, PMID: 27666373). To our knowledge, functional studies have not been reported for this variant. This variant has not been reported in individuals affected with cardiovascular disorders in the literature. This variant has not been identified in the general population by the Genome Aggregation Database (gnomAD). The available evidence is insufficient to determine the role of this variant in disease conclusively. Therefore, this variant is classified as a Variant of Uncertain Significance.